The following is an entry in ClinVar:

NM_004006.3(DMD):c.3025A>G (p.Lys1009Glu)

Gene: DMD (dystrophin; minus strand). Cytogenetic location: Xp21.1.
Variant type: single nucleotide variant.
Coding change: c.3025A>G on transcript NM_004006.3 (MANE Select); coding-DNA position 3025, A replaced by G.
Protein change: p.Lys1009Glu; replaces lysine 1009 with glutamic acid.
Molecular consequence: missense variant.
Genome position (GRCh38, 1-based): chrX:32,468,635, T>C on the plus strand (A>G on the coding strand, the complement: DMD is on the minus strand). VCF-style: chrX-32468635-T-C. GRCh37 (hg19) VCF-style: chrX-32486752-T-C.
Other names: c.3001A>G, p.Lys1001Glu (NM_000109.4); c.3013A>G, p.Lys1005Glu (NM_004009.3); c.2656A>G, p.Lys886Glu (NM_004010.3); short protein forms K1009E, K886E, K1001E, K1005E.
Identifiers: ClinVar variation 3634844 (VCV003634844.2).

ClinVar aggregate classification (germline): Uncertain significance (1 of 4 stars; one submission).

Conditions:
Duchenne muscular dystrophy (DMD). Also called: MUSCULAR DYSTROPHY, PSEUDOHYPERTROPHIC PROGRESSIVE, DUCHENNE TYPE; Duchenne Muscular Dystrophy (DMD). Identifiers: Orphanet 98896, MedGen C0013264, MONDO:0010679, OMIM 310200.

Submission:

Labcorp Genetics (formerly Invitae), Labcorp
Classification: Uncertain significance for Duchenne muscular dystrophy. Last evaluated: 2024-04-19. Review status: criteria provided, single submitter. Criteria: Invitae Variant Classification Sherloc (09022015). Collection method: clinical testing. Allele origin: germline.
Comment: This sequence change replaces lysine, which is basic and polar, with glutamic acid, which is acidic and polar, at codon 1009 of the DMD protein (p.Lys1009Glu). This variant is not present in population databases (gnomAD no frequency). This variant has not been reported in the literature in individuals affected with DMD-related conditions. Advanced modeling of protein sequence and biophysical properties (such as structural, functional, and spatial information, amino acid conservation, physicochemical variation, residue mobility, and thermodynamic stability) performed at Invitae indicates that this missense variant is not expected to disrupt DMD protein function with a negative predictive value of 95%. In summary, the available evidence is currently insufficient to determine the role of this variant in disease. Therefore, it has been classified as a Variant of Uncertain Significance.